The following is an entry in ClinVar:

NM_138420.4(AHNAK2):c.11538C>G (p.Leu3846=)

Gene: AHNAK2 (AHNAK nucleoprotein 2; minus strand). Cytogenetic location: 14q32.33.
Variant type: single nucleotide variant.
Coding change: c.11538C>G on transcript NM_138420.4 (MANE Select); coding-DNA position 11538, C replaced by G.
Protein change: p.Leu3846=; no amino-acid change (leucine 3846 retained).
Molecular consequence: synonymous variant.
Genome position (GRCh38, 1-based): chr14:104,943,913, G>C on the plus strand (C>G on the coding strand, the complement: AHNAK2 is on the minus strand). VCF-style: chr14-104943913-G-C. GRCh37 (hg19) VCF-style: chr14-105410250-G-C.
Other names: c.11238C>G, p.Leu3746= (NM_001350929.2).
Identifiers: ClinVar variation 4821695 (VCV004821695.4).

ClinVar aggregate classification (germline): Likely benign (1 of 4 stars; one submission).

Submission:

CeGaT Center for Human Genetics Tuebingen
Classification: Likely benign. Last evaluated: 2026-01-01. Review status: criteria provided, single submitter. Criteria: CeGaT Center For Human Genetics Tuebingen Variant Classification Criteria Version 2. Collection method: clinical testing. Allele origin: germline. Affected: yes. Observed: 1 variant allele.
Comment: AHNAK2: BP4, BP7